The following is an entry in ClinVar:

ClinVar aggregate classification (germline): Pathogenic (1 of 4 stars; one submission).

Conditions:
Hereditary cancer-predisposing syndrome. Also called: Hereditary Cancer Syndrome; Hereditary neoplastic syndrome; Neoplastic Syndromes, Hereditary; Tumor predisposition. Identifiers: Orphanet 140162, MedGen C0027672, MeSH D009386, MONDO:0015356.

Submission:

Ambry Genetics
Classification: Pathogenic for Hereditary cancer-predisposing syndrome. Last evaluated: 2020-06-22. Review status: criteria provided, single submitter. Criteria: Ambry Variant Classification Scheme 2023. Collection method: clinical testing. Allele origin: germline.
Comment: The c.1493delA pathogenic mutation, located in coding exon 4 of the MSH6 gene, results from a deletion of one nucleotide at nucleotide position 1493, causing a translational frameshift with a predicted alternate stop codon (p.K498Rfs*12). This alteration is expected to result in loss of function by premature protein truncation or nonsense-mediated mRNA decay. As such, this alteration is interpreted as a disease-causing mutation.

NM_000179.3(MSH6):c.1493del (p.Lys498fs)

Gene: MSH6 (mutS homolog 6; plus strand). Cytogenetic location: 2p16.3.
Variant type: Deletion.
Coding change: c.1493del on transcript NM_000179.3 (MANE Select); coding-DNA position 1493, one base deleted (A; older notation c.1493delA).
Protein change: p.Lys498fs; shifts the reading frame from lysine 498.
Molecular consequence: frameshift variant.
Genome position (GRCh38, 1-based): chr2:47,799,476, A deleted; the last of 3 consecutive A bases (chr2:47,799,474-47,799,476); deleting any one gives the same sequence. VCF-style (leftmost placement, unchanged base first): chr2-47799473-GA-G. GRCh37 (hg19) VCF-style: chr2-48026612-GA-G.
Other names: c.1493delA, p.Lys498Argfs (NM_001406798.1, NM_001406803.1, NM_001406808.1 and 4 more transcripts); c.968delA, p.Lys323Argfs (NM_001406799.1, NM_001406806.1, NM_001406807.1); c.587delA, p.Lys196Argfs (NM_001406812.1, NM_001406811.1, NM_001406814.1 and 4 more transcripts); c.1499delA, p.Lys500Argfs (NM_001406813.1); c.1589delA, p.Lys530Argfs (NM_001406802.1, NM_001406795.1); c.1415delA, p.Lys472Argfs (NM_001406804.1); c.1196delA, p.Lys399Argfs (NM_001406801.1, NM_001406805.1, NM_001406797.1 and 10 more transcripts); c.1103del, p.Lys368fs (NM_001281492.2); and 2 more; short protein forms K498fs, K196fs, K368fs.
Identifiers: ClinVar variation 1773833 (VCV001773833.2), dbSNP rs2530612674, ClinGen allele CA2580067597.